The following is an entry in ClinVar:

ClinVar aggregate classification (germline): Likely benign. Review status: reviewed by expert panel (3 of 4 stars). 4 submissions from 4 submitters: Likely benign (1). 3 of the submissions do not count toward it. Last evaluated 2017-06-29.

Conditions:
Hereditary cancer-predisposing syndrome. Also called: Hereditary neoplastic syndrome; Hereditary Cancer Syndrome; Neoplastic Syndromes, Hereditary; Tumor predisposition. Identifiers: Orphanet 140162, MedGen C0027672, MeSH D009386, MONDO:0015356.
Breast-ovarian cancer, familial, susceptibility to, 2 (BROVCA2). Also called: BRCA2 Hereditary Breast and Ovarian Cancer. Identifiers: Orphanet 145, MedGen C2675520, MONDO:0012933, OMIM 612555. Disease mechanism: loss of function.
Hereditary breast ovarian cancer syndrome. Also called: Hereditary breast and ovarian cancer syndrome; BRCA1- and BRCA2-Associated Hereditary Breast and Ovarian Cancer; Hereditary breast and/or ovarian cancer syndrome; Hereditary breast and ovarian cancer; Breast and ovarian cancer; Hereditary breast and ovarian cancer syndrome (HBOC). Identifiers: Orphanet 145, MedGen C0677776, MeSH D061325, MONDO:0003582. Disease mechanism: loss of function.

Submissions (4):

Evidence-based Network for the Interpretation of Germline Mutant Alleles (ENIGMA)
Classification: Likely benign for Breast-ovarian cancer, familial, susceptibility to, 2. Last evaluated: 2017-06-29. Review status: reviewed by expert panel. Criteria: ENIGMA BRCA1/2 Classification Criteria (2017-06-29). Collection method: curation. Allele origin: germline.
Comment: Synonymous substitution variant, with low bioinformatic likelihood to result in a splicing aberration (Splicing prior probability 0.02).

Labcorp Genetics (formerly Invitae), Labcorp
Classification: Likely benign for Hereditary breast ovarian cancer syndrome. Last evaluated: 2023-11-02. Review status: criteria provided, single submitter. Criteria: Invitae Variant Classification Sherloc (09022015). Collection method: clinical testing. Allele origin: germline. Not counted in ClinVar's aggregate classification.

Ambry Genetics
Classification: Likely benign for Hereditary cancer-predisposing syndrome. Last evaluated: 2023-06-27. Review status: criteria provided, single submitter. Criteria: Ambry Variant Classification Scheme 2023. Collection method: clinical testing. Allele origin: germline. Not counted in ClinVar's aggregate classification.

Women's Health and Genetics/Laboratory Corporation of America, LabCorp
Classification: Likely benign. Last evaluated: 2019-08-21. Review status: criteria provided, single submitter. Criteria: LabCorp Variant Classification Summary - May 2015. Collection method: clinical testing. Allele origin: germline. Not counted in ClinVar's aggregate classification.

NM_000059.4(BRCA2):c.9540T>G (p.Leu3180=)

Gene: BRCA2 (BRCA2 DNA repair associated; plus strand). Cytogenetic location: 13q13.1.
Variant type: single nucleotide variant.
Coding change: c.9540T>G on transcript NM_000059.4 (MANE Select); coding-DNA position 9540, T replaced by G.
Protein change: p.Leu3180=; no amino-acid change (leucine 3180 retained).
Molecular consequence: synonymous variant.
Genome position (GRCh38, 1-based): chr13:32,396,936, T>G. VCF-style: chr13-32396936-T-G. GRCh37 (hg19) VCF-style: chr13-32971073-T-G.
Identifiers: ClinVar variation 427422 (VCV000427422.17), dbSNP rs1131692141, ClinGen allele CA483271615.